The following is an entry in ClinVar:

NM_002292.4(LAMB2):c.4782-1G>A

Gene: LAMB2 (laminin subunit beta 2; minus strand). Cytogenetic location: 3p21.31.
Variant type: single nucleotide variant.
Coding change: c.4782-1G>A on transcript NM_002292.4 (MANE Select); the canonical splice acceptor site of the intron before coding-DNA position 4782, G replaced by A.
Molecular consequence: splice acceptor variant.
Genome position (GRCh38, 1-based): chr3:49,122,086, C>T on the plus strand (G>A on the coding strand, the complement: LAMB2 is on the minus strand). VCF-style: chr3-49122086-C-T. GRCh37 (hg19) VCF-style: chr3-49159519-C-T.
Identifiers: ClinVar variation 3757967 (VCV003757967.2).
Genomic context (GRCh38, chr3:49,122,086, plus strand): 5'-GCCTCCTCCAGTGCTGCCTGTACTGTCTCTGCCTTCTGTTTCTCATCCTCAGCCCAGCTC[C>T]TGGGGAGAAGGGGGAATCAGAACCTGGAGGTATCAAAACCAGGTGTCAGGGATAGGGGCC-3'

ClinVar aggregate classification (germline): Likely pathogenic (1 of 4 stars; one submission).

Conditions:
Pierson syndrome. Also called: MICROCORIA-CONGENITAL NEPHROTIC SYNDROME. Identifiers: Orphanet 2670, MedGen C1836876, MONDO:0012184, OMIM 609049.
LAMB2-related infantile-onset nephrotic syndrome. Also called: NEPHROTIC SYNDROME, TYPE 5, WITHOUT OCULAR ABNORMALITIES; NEPHROTIC SYNDROME, TYPE 5, WITH OCULAR ABNORMALITIES; Nephrotic Syndrome, type 5. Identifiers: Orphanet 306507, MedGen C3280113, MONDO:0013621, OMIM 614199.

Submission:

Labcorp Genetics (formerly Invitae), Labcorp
Classification: Likely pathogenic for LAMB2-related infantile-onset nephrotic syndrome; Pierson syndrome. Last evaluated: 2024-09-03. Review status: criteria provided, single submitter. Criteria: Invitae Variant Classification Sherloc (09022015). Collection method: clinical testing. Allele origin: germline.
Comment: This sequence change affects an acceptor splice site in intron 28 of the LAMB2 gene. It is expected to disrupt RNA splicing. Variants that disrupt the donor or acceptor splice site typically lead to a loss of protein function (PMID: 16199547), and loss-of-function variants in LAMB2 are known to be pathogenic (PMID: 15367484). This variant is not present in population databases (gnomAD no frequency). This variant has not been reported in the literature in individuals affected with LAMB2-related conditions. Algorithms developed to predict the effect of sequence changes on RNA splicing suggest that this variant may disrupt the consensus splice site. In summary, the currently available evidence indicates that the variant is pathogenic, but additional data are needed to prove that conclusively. Therefore, this variant has been classified as Likely Pathogenic.

Literature cited by the submitters: PubMed 16199547; PubMed 15367484.